The following is an entry in ClinVar:

ClinVar aggregate classification (germline): Uncertain significance (1 of 4 stars; one submission).

Allele frequency attached by ClinVar (database versions not stated): gnomAD exomes 0.00001 and below 0.00001; 1000 Genomes Project 30x 0.00016; gnomAD 0.00001; 1000 Genomes Project 0.00020; ExAC 0.00001.
gnomAD v4.1: 9 of 1,613,836 alleles (0.00056%); highest among the groups gnomAD compares: African/African-American, 0.0067%; no homozygotes.

Submission:

Labcorp Genetics (formerly Invitae), Labcorp
Classification: Uncertain significance. Last evaluated: 2025-05-27. Review status: criteria provided, single submitter. Criteria: Invitae Variant Classification Sherloc (09022015). Collection method: clinical testing. Allele origin: germline.
Comment: This sequence change affects codon 336 of the FERMT1 mRNA. It is a 'silent' change, meaning that it does not change the encoded amino acid sequence of the FERMT1 protein. This variant is present in population databases (rs568177753, gnomAD 0.003%). This variant has not been reported in the literature in individuals affected with FERMT1-related conditions. ClinVar contains an entry for this variant (Variation ID: 1365889). Algorithms developed to predict the effect of sequence changes on RNA splicing suggest that this variant may create or strengthen a splice site. In summary, the available evidence is currently insufficient to determine the role of this variant in disease. Therefore, it has been classified as a Variant of Uncertain Significance.

NM_017671.5(FERMT1):c.1008C>T (p.Gly336=)

Gene: FERMT1 (FERM domain containing kindlin 1; minus strand). Cytogenetic location: 20p12.3.
Variant type: single nucleotide variant.
Coding change: c.1008C>T on transcript NM_017671.5 (MANE Select); coding-DNA position 1008, C replaced by T.
Protein change: p.Gly336=; no amino-acid change (glycine 336 retained).
Molecular consequence: synonymous variant.
Genome position (GRCh38, 1-based): chr20:6,096,983, G>A on the plus strand (C>T on the coding strand, the complement: FERMT1 is on the minus strand). VCF-style: chr20-6096983-G-A. GRCh37 (hg19) VCF-style: chr20-6077630-G-A.
Identifiers: ClinVar variation 1365889 (VCV001365889.8), dbSNP rs568177753, ClinGen allele CA9758279.
Genomic context (GRCh38, chr20:6,096,983, plus strand): 5'-ACCTTCTAGGGTTACTTCCAAATTAGAAAGCGCCGCTTCTATTTCATCAACCTCGGACTC[G>A]CCTGCAAAATCCTGTGTTTCAGCAGACAACGACAGTTTGCTAATGTGGTACTAAAATGAA-3'
Protein context (NP_060141.3, residues 326-346): SLSAETQDFA[Gly336=]ESEVDEIEAA